The following is an entry in ClinVar:

NM_001267550.2(TTN):c.95051_95070del (p.Gly31684fs)

Genes: TTN-AS1 (TTN antisense RNA 1; plus strand), TTN (titin; minus strand). Cytogenetic location: 2q31.2.
Variant type: Deletion.
Coding change: c.95051_95070del on transcript NM_001267550.2 (MANE Select); coding-DNA positions 95051 to 95070, 20 bases deleted (GAAAATACACTTTAACAGTG).
Protein change: p.Gly31684fs; shifts the reading frame from glycine 31684.
Molecular consequence: frameshift variant.
Genome position (GRCh38, 1-based): chr2:178,546,261-178,546,280, CACTGTTAAAGTGTATTTTC deleted on the plus strand (GAAAATACACTTTAACAGTG on the coding strand, the reverse complement: TTN is on the minus strand); deleting any 20 consecutive bases within chr2:178,546,261-178,546,286 gives the same sequence; the c. name uses the placement nearest the transcript's 3' end. VCF-style (leftmost placement, unchanged base first): chr2-178546260-TCACTGTTAAAGTGTATTTTC-T. GRCh37 (hg19) VCF-style: chr2-179410987-TCACTGTTAAAGTGTATTTTC-T.
Other names: c.90128_90147del, p.Gly30043fs (NM_001256850.1); c.67856_67875del, p.Gly22619fs (NM_003319.4); c.87347_87366del, p.Gly29116fs (NM_133378.4); c.68231_68250del, p.Gly22744fs (NM_133432.3); c.68432_68451del, p.Gly22811fs (NM_133437.4); short protein forms G22619fs, G29116fs, G22811fs, G30043fs, G31684fs, G22744fs.
Identifiers: ClinVar variation 1489330 (VCV001489330.6), dbSNP rs2154145769, ClinGen allele CA430242141.

ClinVar aggregate classification (germline): Likely pathogenic (1 of 4 stars; one submission).

Conditions:
Dilated cardiomyopathy 1G (CMD1G). Identifiers: Orphanet 154, MedGen C1858763, MONDO:0011400, OMIM 604145.
Autosomal recessive limb-girdle muscular dystrophy type 2J (LGMDR10). Also called: Limb-girdle muscular dystrophy, type 2J; MUSCULAR DYSTROPHY, LIMB-GIRDLE, AUTOSOMAL RECESSIVE 10. Identifiers: Orphanet 140922, MedGen C1837342, MONDO:0012127, OMIM 608807.

Submission:

Labcorp Genetics (formerly Invitae), Labcorp
Classification: Likely pathogenic for Dilated cardiomyopathy 1G; Autosomal recessive limb-girdle muscular dystrophy type 2J. Last evaluated: 2021-08-21. Review status: criteria provided, single submitter. Criteria: Invitae Variant Classification Sherloc (09022015). Collection method: clinical testing. Allele origin: germline.
Comment: In summary, the currently available evidence indicates that the variant is pathogenic, but additional data are needed to prove that conclusively. Therefore, this variant has been classified as Likely Pathogenic. This variant is located in the A band of TTN (PMID: 25589632). Truncating variants in this region are significantly overrepresented in patients affected with dilated cardiomyopathy (PMID: 25589632). Truncating variants in this region have also been reported in individuals affected with autosomal recessive centronuclear myopathy (PMID: 23975875). This variant has not been reported in the literature in individuals affected with TTN-related conditions. This variant is not present in population databases (ExAC no frequency). This sequence change creates a premature translational stop signal (p.Gly31684Glufs*17) in the TTN gene. While this is not anticipated to result in nonsense mediated decay, it is expected to create a truncated TTN protein.

Literature cited by the submitters: PubMed 25589632; PubMed 23975875.